The following is an entry in ClinVar:

ClinVar aggregate classification (germline): Uncertain significance (1 of 4 stars; one submission).

Conditions:
Duchenne muscular dystrophy (DMD). Also called: Duchenne Muscular Dystrophy (DMD); MUSCULAR DYSTROPHY, PSEUDOHYPERTROPHIC PROGRESSIVE, DUCHENNE TYPE. Identifiers: Orphanet 98896, MedGen C0013264, MONDO:0010679, OMIM 310200.

Submission:

Labcorp Genetics (formerly Invitae), Labcorp
Classification: Uncertain significance for Duchenne muscular dystrophy. Last evaluated: 2025-02-11. Review status: criteria provided, single submitter. Criteria: Invitae Variant Classification Sherloc (09022015). Collection method: clinical testing. Allele origin: germline.
Comment: This sequence change replaces serine, which is neutral and polar, with cysteine, which is neutral and slightly polar, at codon 2728 of the DMD protein (p.Ser2728Cys). This variant is not present in population databases (gnomAD no frequency). This variant has not been reported in the literature in individuals affected with DMD-related conditions. Invitae Evidence Modeling of protein sequence and biophysical properties (such as structural, functional, and spatial information, amino acid conservation, physicochemical variation, residue mobility, and thermodynamic stability) indicates that this missense variant is not expected to disrupt DMD protein function with a negative predictive value of 95%. In summary, the available evidence is currently insufficient to determine the role of this variant in disease. Therefore, it has been classified as a Variant of Uncertain Significance.

NM_004006.3(DMD):c.8183C>G (p.Ser2728Cys)

Gene: DMD (dystrophin; minus strand). Cytogenetic location: Xp21.1.
Variant type: single nucleotide variant.
Coding change: c.8183C>G on transcript NM_004006.3 (MANE Select); coding-DNA position 8183, C replaced by G.
Protein change: p.Ser2728Cys; replaces serine 2728 with cysteine.
Molecular consequence: missense variant.
Genome position (GRCh38, 1-based): chrX:31,627,707, G>C on the plus strand (C>G on the coding strand, the complement: DMD is on the minus strand). VCF-style: chrX-31627707-G-C. GRCh37 (hg19) VCF-style: chrX-31645824-G-C.
Other names: c.8159C>G, p.Ser2720Cys (NM_000109.4); c.8171C>G, p.Ser2724Cys (NM_004009.3); c.7814C>G, p.Ser2605Cys (NM_004010.3); c.4160C>G, p.Ser1387Cys (NM_004011.4); c.4151C>G, p.Ser1384Cys (NM_004012.4); c.803C>G, p.Ser268Cys (NM_004013.3, NM_004020.4, NM_004021.3 and 2 more transcripts); short protein forms S1384C, S1387C, S2605C, S268C, S2720C, S2724C, S2728C.
Identifiers: ClinVar variation 4800944 (VCV004800944.1).
Genomic context (GRCh38, chrX:31,627,707, plus strand): 5'-TGCTAAAGCGGAAATGCCTGACTTACTTGCCATTGTTTCATCAGCTCTTTTACTCCCTTG[G>C]AGTCTTCTAGGAGCCTTTCCTTACGGGTAGCATCCTGTAGGACATTGGCAGTTGTTTCAG-3'
Protein context (NP_003997.2, residues 2718-2738): ATRKERLLED[Ser2728Cys]KGVKELMKQW